The following is an entry in ClinVar:

ClinVar aggregate classification (germline): Likely benign (0 of 4 stars; one submission).

Conditions:
LRRC45-related disorder. Also called: LRRC45-related condition.

gnomAD v4.1: 49 of 1,612,556 alleles (0.003%); highest among the groups gnomAD compares: African/African-American, 0.063%; no homozygotes.

Submission:

PreventionGenetics, part of Exact Sciences
Classification: Likely benign for LRRC45-related condition. Last evaluated: 2024-08-05. Review status: no assertion criteria provided. Collection method: clinical testing. Allele origin: germline.
Comment: This variant is classified as likely benign based on ACMG/AMP sequence variant interpretation guidelines (Richards et al. 2015 PMID: 25741868, with internal and published modifications).

NM_144999.4(LRRC45):c.775-6C>T

Gene: LRRC45 (leucine rich repeat containing 45; plus strand). Cytogenetic location: 17q25.3.
Variant type: single nucleotide variant.
Coding change: c.775-6C>T on transcript NM_144999.4 (MANE Select); 6 bases into the intron before coding-DNA position 775, C replaced by T.
Molecular consequence: intron variant.
Genome position (GRCh38, 1-based): chr17:82,027,380, C>T. VCF-style: chr17-82027380-C-T. GRCh37 (hg19) VCF-style: chr17-79985256-C-T.
Identifiers: ClinVar variation 3352541 (VCV003352541.1).